The following is an entry in ClinVar:

NM_025216.3(WNT10A):c.1151T>A (p.Leu384Gln)

Gene: WNT10A (Wnt family member 10A; plus strand). Cytogenetic location: 2q35.
Variant type: single nucleotide variant.
Coding change: c.1151T>A on transcript NM_025216.3 (MANE Select); coding-DNA position 1151, T replaced by A.
Protein change: p.Leu384Gln; replaces leucine 384 with glutamine.
Molecular consequence: missense variant.
Genome position (GRCh38, 1-based): chr2:218,893,168, T>A. VCF-style: chr2-218893168-T-A. GRCh37 (hg19) VCF-style: chr2-219757890-T-A.
Other names: short protein forms L384Q.
Identifiers: ClinVar variation 2661938 (VCV002661938.1), dbSNP rs1227659859, ClinGen allele CA350592029.

ClinVar aggregate classification (germline): Uncertain significance (1 of 4 stars; one submission).

Allele frequency attached by ClinVar (database versions not stated): gnomAD exomes below 0.00001.

Submission:

GeneDx
Classification: Uncertain significance. Last evaluated: 2023-05-03. Review status: criteria provided, single submitter. Criteria: GeneDx Variant Classification Process June 2021. Collection method: clinical testing. Allele origin: germline. Affected: yes.
Comment: Not observed at significant frequency in large population cohorts (gnomAD); In silico analysis supports that this missense variant has a deleterious effect on protein structure/function; Has not been previously published as pathogenic or benign to our knowledge